The following is an entry in ClinVar:

ClinVar aggregate classification (germline): Conflicting classifications of pathogenicity. Review status: criteria provided, conflicting classifications (1 of 4 stars). 5 submissions from 5 submitters: Uncertain significance (3); Likely benign (2). Last evaluated 2024-12-28.

Conditions:
Inborn genetic diseases. Identifiers: MedGen C0950123, MeSH D030342.
Multiple congenital exostosis (EXT). Also called: Multiple exostoses; Hereditary multiple exostoses; Hereditary multiple exostosis; Multiple osteochondromas; MULTIPLE CARTILAGINOUS EXOSTOSES; Hereditary multiple osteochondromas. Identifiers: Orphanet 321, MedGen C0015306, MONDO:0005508, HP:0002762.
Exostoses, multiple, type 1 (EXT1). Also called: Hereditary Multiple Osteochondromatosis, Type I; EXOSTOSES, MULTIPLE, TYPE I. Identifiers: MedGen CN263289, MONDO:0007585, OMIM 133700.
Chondrosarcoma. Also called: Chondrosarcoma, somatic. Identifiers: Orphanet 55880, MedGen C0008479, MONDO:0008977, OMIM 215300, HP:0006765.

Allele frequency attached by ClinVar (database versions not stated): gnomAD exomes 0.00001 and 0.00003; ExAC 0.00005; gnomAD 0.00011 and 0.00012; TOPMed 0.00011; ESP Exome Variant Server 0.00015.
gnomAD v4.1: 33 of 1,613,868 alleles (0.002%); highest among the groups gnomAD compares: African/African-American, 0.036%; no homozygotes.

Submissions (5):

Ambry Genetics
Classification: Uncertain significance for Inborn genetic diseases. Last evaluated: 2024-12-28. Review status: criteria provided, single submitter. Criteria: Ambry Variant Classification Scheme 2023. Collection method: clinical testing. Allele origin: germline.

Labcorp Genetics (formerly Invitae), Labcorp
Classification: Likely benign for Multiple congenital exostosis. Last evaluated: 2024-03-18. Review status: criteria provided, single submitter. Criteria: Invitae Variant Classification Sherloc (09022015). Collection method: clinical testing. Allele origin: germline.

Fulgent Genetics
Classification: Uncertain significance for Exostoses, multiple, type 1; Chondrosarcoma. Last evaluated: 2024-02-08. Review status: criteria provided, single submitter. Criteria: ACMG Guidelines, 2015. Collection method: clinical testing. Allele origin: germline.

St. Jude Molecular Pathology, St. Jude Children's Research Hospital
Classification: Uncertain significance for Exostoses, multiple, type 1. Last evaluated: 2022-10-11. Review status: criteria provided, single submitter. Criteria: St. Jude Assertion Criteria 2020. Collection method: clinical testing. Allele origin: germline.
Comment: The EXT1 c.124G>A (p.Gly42Ser) missense change has a maximum subpopulation frequency of 0.052% in gnomAD v2.1.1. The in silico tool REVEL is inconclusive about a pathogenic or benign effect of this variant on protein function, and to our knowledge functional studies have not been performed. To our knowledge, this variant has not been reported in individuals with hereditary multiple exostoses. In summary, the evidence currently available is insufficient to determine the clinical significance of this variant. It has therefore been classified as of uncertain significance.

Blueprint Genetics
Classification: Likely benign. Last evaluated: 2021-06-21. Review status: criteria provided, single submitter. Criteria: ACMG Guidelines, 2015. Collection method: clinical testing. Allele origin: germline.

NM_000127.3(EXT1):c.124G>A (p.Gly42Ser)

Gene: EXT1 (exostosin glycosyltransferase 1; minus strand). Cytogenetic location: 8q24.11.
Variant type: single nucleotide variant.
Coding change: c.124G>A on transcript NM_000127.3 (MANE Select); coding-DNA position 124, G replaced by A.
Protein change: p.Gly42Ser; replaces glycine 42 with serine.
Molecular consequence: missense variant.
Genome position (GRCh38, 1-based): chr8:118,110,923, C>T on the plus strand (G>A on the coding strand, the complement: EXT1 is on the minus strand). VCF-style: chr8-118110923-C-T. GRCh37 (hg19) VCF-style: chr8-119123162-C-T.
Other names: c.124G>A (NM_000127.2); short protein forms G42S.
Identifiers: ClinVar variation 1623931 (VCV001623931.15), dbSNP rs368382074, ClinGen allele CA4854415.
Genomic context (GRCh38, chr8:118,110,923, plus strand): 5'-GAGCGTCCGGGAAGCGGGGCCAGAAATGATCCGGACTGGGGTGGTGCAAGCCATTCCTAC[C>T]GCTGTGTTCTTCTCTCCGGCTGTGGCTCCTCGATGCCCTAAACTGCAAGCCTCCGAAATA-3'
Protein context (NP_000118.2, residues 32-52): RSHSRREEHS[Gly42Ser]RNGLHHPSPD